The following is an entry in ClinVar:

ClinVar aggregate classification (germline): Uncertain significance (1 of 4 stars; one submission).

Conditions:
Epilepsy, progressive myoclonic, 1B. Also called: PME. Identifiers: Orphanet 308, MedGen C2676254, MONDO:0012904, OMIM 612437.

Allele frequency attached by ClinVar (database versions not stated): TOPMed below 0.00001; gnomAD 0.00001.
gnomAD v4.1: 1 of 1,613,986 alleles (0.000062%); highest among the groups gnomAD compares: Non-Finnish European, 0.000085%; no homozygotes.

Submission:

Labcorp Genetics (formerly Invitae), Labcorp
Classification: Uncertain significance for Epilepsy, progressive myoclonic, 1B. Last evaluated: 2022-07-01. Review status: criteria provided, single submitter. Criteria: Invitae Variant Classification Sherloc (09022015). Collection method: clinical testing. Allele origin: germline.
Comment: This sequence change replaces valine, which is neutral and non-polar, with methionine, which is neutral and non-polar, at codon 260 of the PRICKLE1 protein (p.Val260Met). In summary, the available evidence is currently insufficient to determine the role of this variant in disease. Therefore, it has been classified as a Variant of Uncertain Significance. Algorithms developed to predict the effect of missense changes on protein structure and function are either unavailable or do not agree on the potential impact of this missense change (SIFT: "Deleterious"; PolyPhen-2: "Probably Damaging"; Align-GVGD: "Class C0"). ClinVar contains an entry for this variant (Variation ID: 1416382). This variant has not been reported in the literature in individuals affected with PRICKLE1-related conditions. This variant is present in population databases (no rsID available, gnomAD 0.007%).

NM_153026.3(PRICKLE1):c.778G>A (p.Val260Met)

Genes: PRICKLE1 (prickle planar cell polarity protein 1; minus strand), LOC126861509 (BRD4-independent group 4 enhancer GRCh37_chr12:42858567-42859766; plus strand). Cytogenetic location: 12q12.
Variant type: single nucleotide variant.
Coding change: c.778G>A on transcript NM_153026.3 (MANE Select); coding-DNA position 778, G replaced by A.
Protein change: p.Val260Met; replaces valine 260 with methionine.
Molecular consequence: missense variant.
Genome position (GRCh38, 1-based): chr12:42,465,256, C>T on the plus strand (G>A on the coding strand, the complement: PRICKLE1 is on the minus strand). VCF-style: chr12-42465256-C-T. GRCh37 (hg19) VCF-style: chr12-42859058-C-T.
Other names: c.778G>A, p.Val260Met (NM_001144881.2, NM_001144882.2, NM_001144883.2); short protein forms V260M.
Identifiers: ClinVar variation 1416382 (VCV001416382.8), dbSNP rs1199665357, ClinGen allele CA384443185.
Genomic context (GRCh38, chr12:42,465,256, plus strand): 5'-AAAAGCAGGCTTCCGTGGCGTGCCAGTGCTGCCCGTCATAGGTCATCTGTGCATGGTCCA[C>T]ACCTGTTTTGAAAAGGATAGAATAAATAACAGGTTATGGTTTAATGCCTGAAACAAGGTA-3'
Protein context (NP_694571.2, residues 250-270): YCETCGEHIG[Val260Met]DHAQMTYDGQ